The following is an entry in ClinVar:

NM_000744.7(CHRNA4):c.979G>C (p.Val327Leu)

Gene: CHRNA4 (cholinergic receptor nicotinic alpha 4 subunit; minus strand). Cytogenetic location: 20q13.33.
Variant type: single nucleotide variant.
Coding change: c.979G>C on transcript NM_000744.7 (MANE Select); coding-DNA position 979, G replaced by C.
Protein change: p.Val327Leu; replaces valine 327 with leucine.
Molecular consequence: missense variant. On other transcripts: non-coding transcript variant (1).
Genome position (GRCh38, 1-based): chr20:63,350,432, C>G on the plus strand (G>C on the coding strand, the complement: CHRNA4 is on the minus strand). VCF-style: chr20-63350432-C-G. GRCh37 (hg19) VCF-style: chr20-61981784-C-G.
Other names: c.451G>C, p.Val151Leu (NM_001256573.2); short protein forms V151L, V327L.
Identifiers: ClinVar variation 2878908 (VCV002878908.3), dbSNP rs201841018, ClinGen allele CA409635805.
Genomic context (GRCh38, chr20:63,350,432, plus strand): 5'-CCCTGCGTACCCAGGTGGGCATGGTGTGCGTGCGTGGCGAGCGGTGGTGCACGTTGAGCA[C>G]GAAGACCGTGATGACGATGGACAGGGTGACGAAGATCATGGTGAACAGCAGGTACTCGCC-3'
Protein context (NP_000735.1, residues 317-337): VTLSIVITVF[Val327Leu]LNVHHRSPRT

ClinVar aggregate classification (germline): Uncertain significance (1 of 4 stars; one submission).

Conditions:
Familial sleep-related hypermotor epilepsy. Also called: Autosomal Dominant Sleep-Related Hypermotor (Hyperkinetic) Epilepsy. Identifiers: Orphanet 98784, MedGen C3696898, MONDO:0000030.

Submission:

Labcorp Genetics (formerly Invitae), Labcorp
Classification: Uncertain significance. Last evaluated: 2023-05-01. Review status: criteria provided, single submitter. Criteria: Invitae Variant Classification Sherloc (09022015). Collection method: clinical testing. Allele origin: germline.
Comment: In summary, the available evidence is currently insufficient to determine the role of this variant in disease. Therefore, it has been classified as a Variant of Uncertain Significance. Advanced modeling of protein sequence and biophysical properties (such as structural, functional, and spatial information, amino acid conservation, physicochemical variation, residue mobility, and thermodynamic stability) performed at Invitae indicates that this missense variant is expected to disrupt CHRNA4 protein function. This variant has not been reported in the literature in individuals affected with CHRNA4-related conditions. This variant is not present in population databases (gnomAD no frequency). This sequence change replaces valine, which is neutral and non-polar, with leucine, which is neutral and non-polar, at codon 327 of the CHRNA4 protein (p.Val327Leu).